The following is an entry in ClinVar:

ClinVar aggregate classification (germline): Uncertain significance (1 of 4 stars; one submission).

Conditions:
Dilated cardiomyopathy 1JJ (CMD1JJ). Identifiers: Orphanet 154, MedGen C3808935, MONDO:0014095, OMIM 615235.

Submission:

Labcorp Genetics (formerly Invitae), Labcorp
Classification: Uncertain significance for Dilated cardiomyopathy 1JJ. Last evaluated: 2023-09-04. Review status: criteria provided, single submitter. Criteria: Invitae Variant Classification Sherloc (09022015). Collection method: clinical testing. Allele origin: germline.
Comment: In summary, the available evidence is currently insufficient to determine the role of this variant in disease. Therefore, it has been classified as a Variant of Uncertain Significance. An algorithm developed to predict the effect of missense changes on protein structure and function (PolyPhen-2) suggests that this variant is likely to be disruptive. This variant has not been reported in the literature in individuals affected with LAMA4-related conditions. This variant is not present in population databases (gnomAD no frequency). This sequence change replaces cysteine, which is neutral and slightly polar, with tryptophan, which is neutral and slightly polar, at codon 67 of the LAMA4 protein (p.Cys67Trp).

NM_001105206.3(LAMA4):c.201C>G (p.Cys67Trp)

Gene: LAMA4 (laminin subunit alpha 4; minus strand). Cytogenetic location: 6q21.
Variant type: single nucleotide variant.
Coding change: c.201C>G on transcript NM_001105206.3 (MANE Select); coding-DNA position 201, C replaced by G.
Protein change: p.Cys67Trp; replaces cysteine 67 with tryptophan.
Molecular consequence: missense variant.
Genome position (GRCh38, 1-based): chr6:112,216,464, G>C on the plus strand (C>G on the coding strand, the complement: LAMA4 is on the minus strand). VCF-style: chr6-112216464-G-C. GRCh37 (hg19) VCF-style: chr6-112537665-G-C.
Other names: c.201C>G, p.Cys67Trp (NM_001105207.3, NM_002290.5); short protein forms C67W.
Identifiers: ClinVar variation 2840002 (VCV002840002.3), dbSNP rs2547213077, ClinGen allele CA365518237.